The following is an entry in ClinVar:

ClinVar aggregate classification (germline): Conflicting classifications of pathogenicity. Review status: criteria provided, conflicting classifications (1 of 4 stars). 4 submissions from 4 submitters: Uncertain significance (2); Likely benign (1). 1 of the submissions does not count toward it. Last evaluated 2024-09-05.

Conditions:
CSPP1-related disorder. Also called: CSPP1-related condition.
Joubert syndrome 21 (JBTS21). Identifiers: MedGen C3810212, MONDO:0014288, OMIM 615636.
Inborn genetic diseases. Identifiers: MedGen C0950123, MeSH D030342.

Allele frequency attached by ClinVar (database versions not stated): gnomAD exomes 0.00001 and 0.00006; ExAC 0.00010; gnomAD 0.00017 and 0.00021; ESP Exome Variant Server 0.00042; TOPMed 0.00021.
gnomAD v4.1: 46 of 1,603,256 alleles (0.0029%); highest among the groups gnomAD compares: African/African-American, 0.056%; no homozygotes.

Submissions (4):

Labcorp Genetics (formerly Invitae), Labcorp
Classification: Uncertain significance for Joubert syndrome 21. Last evaluated: 2024-09-05. Review status: criteria provided, single submitter. Criteria: Invitae Variant Classification Sherloc (09022015). Collection method: clinical testing. Allele origin: germline.
Comment: This sequence change falls in intron 25 of the CSPP1 gene. It does not directly change the encoded amino acid sequence of the CSPP1 protein. It affects a nucleotide within the consensus splice site. This variant is present in population databases (rs375100195, gnomAD 0.07%). This variant has not been reported in the literature in individuals affected with CSPP1-related conditions. ClinVar contains an entry for this variant (Variation ID: 971153). Variants that disrupt the consensus splice site are a relatively common cause of aberrant splicing (PMID: 17576681, 9536098). Algorithms developed to predict the effect of sequence changes on RNA splicing suggest that this variant is not likely to affect RNA splicing. In summary, the available evidence is currently insufficient to determine the role of this variant in disease. Therefore, it has been classified as a Variant of Uncertain Significance.

Ambry Genetics
Classification: Uncertain significance for Inborn genetic diseases. Last evaluated: 2022-01-16. Review status: criteria provided, single submitter. Criteria: Ambry Variant Classification Scheme 2023. Collection method: clinical testing. Allele origin: germline.
Comment: The c.3141+6C>T intronic alteration consists of a C to T substitution nucleotides after coding exon 25 in the CSPP1 gene. Based on insufficient or conflicting evidence, the clinical significance of this alteration remains unclear.

Blueprint Genetics
Classification: Likely benign. Last evaluated: 2019-10-01. Review status: criteria provided, single submitter. Criteria: ACMG Guidelines, 2015. Collection method: clinical testing. Allele origin: germline.

PreventionGenetics, part of Exact Sciences
Classification: Likely benign for CSPP1-related condition. Last evaluated: 2024-03-13. Review status: no assertion criteria provided. Collection method: clinical testing. Allele origin: germline. Not counted in ClinVar's aggregate classification.
Comment: This variant is classified as likely benign based on ACMG/AMP sequence variant interpretation guidelines (Richards et al. 2015 PMID: 25741868, with internal and published modifications).

Literature cited by the submitters: PubMed 17576681 (cited by Labcorp Genetics (formerly Invitae), Labcorp); PubMed 9536098 (cited by Labcorp Genetics (formerly Invitae), Labcorp).

NM_001382391.1(CSPP1):c.3156+6C>T

Genes: ARFGEF1 (ARF guanine nucleotide exchange factor 1; minus strand), CSPP1 (centrosome and spindle pole associated protein 1; plus strand). Cytogenetic location: 8q13.2.
Variant type: single nucleotide variant.
Coding change: c.3156+6C>T on transcript NM_001382391.1 (MANE Select); 6 bases into the intron after coding-DNA position 3156, C replaced by T.
Molecular consequence: intron variant.
Genome position (GRCh38, 1-based): chr8:67,177,732, C>T. VCF-style: chr8-67177732-C-T. GRCh37 (hg19) VCF-style: chr8-68089967-C-T.
Other names: c.2961+6C>T (NM_001363132.2); c.3075+6C>T (NM_001363131.2); c.2880+6C>T (NM_001363133.2); c.3222+6C>T (NM_001364869.1); c.3141+6C>T (NM_024790.7, NM_001438331.1); c.2988+6C>T (NM_001438330.1); c.3042+6C>T (NM_001364870.1); c.2457+6C>T (NM_001438332.1); and 3 more.
Identifiers: ClinVar variation 971153 (VCV000971153.9), dbSNP rs375100195, ClinGen allele CA4771072.